The following is an entry in ClinVar:

NM_000051.4(ATM):c.4569A>G (p.Thr1523=)

Gene: ATM (ATM serine/threonine kinase; plus strand). Cytogenetic location: 11q22.3.
Variant type: single nucleotide variant.
Coding change: c.4569A>G on transcript NM_000051.4 (MANE Select); coding-DNA position 4569, A replaced by G.
Protein change: p.Thr1523=; no amino-acid change (threonine 1523 retained).
Molecular consequence: synonymous variant.
Genome position (GRCh38, 1-based): chr11:108,292,751, A>G. VCF-style: chr11-108292751-A-G. GRCh37 (hg19) VCF-style: chr11-108163478-A-G.
Other names: c.4569A>G, p.Thr1523= (NM_001351834.2).
Identifiers: ClinVar variation 514340 (VCV000514340.11), dbSNP rs1555099963, ClinGen allele CA476674232.
Genomic context (GRCh38, chr11:108,292,751, plus strand): 5'-GACAGCCGTGACTTACTGTAAGGATGCTCTAGAAAACCATCTTCATGTTATTGTTGGTAC[A>G]CTTATACCCCTTGTGTATGAGCAGGTGGAGGTTCAGAAACAGGTAATTTTCTGACTCATC-3'
Protein context (NP_000042.3, residues 1513-1533): LENHLHVIVG[Thr1523=]LIPLVYEQVE

ClinVar aggregate classification (germline): Benign/Likely benign. Review status: criteria provided, multiple submitters, no conflicts (2 of 4 stars). 5 submissions from 5 submitters: Benign (1); Likely benign (4). Last evaluated 2024-11-15.

Conditions:
Hereditary cancer-predisposing syndrome. Also called: Hereditary Cancer Syndrome; Tumor predisposition; Neoplastic Syndromes, Hereditary; Hereditary neoplastic syndrome. Identifiers: Orphanet 140162, MedGen C0027672, MeSH D009386, MONDO:0015356.
Ataxia-telangiectasia syndrome (AT). Also called: Cerebello-oculocutaneous telangiectasia; Immunodeficiency with ataxia telangiectasia; AT, COMPLEMENTATION GROUP C; Ataxia-telangiectasia, complementation group D; LOUIS-BAR SYNDROME; Ataxia-telangiectasia, complementation group E. Identifiers: Orphanet 100, MedGen C0004135, MONDO:0008840, OMIM 208900.
Familial cancer of breast. Also called: BREAST CANCER, FAMILIAL; Hereditary breast cancer; hereditary breast carcinoma. Identifiers: Orphanet 227535, MedGen C0346153, MONDO:0016419, OMIM 114480. Disease mechanism: loss of function.

Allele frequency attached by ClinVar (database versions not stated): TOPMed below 0.00001; gnomAD 0.00001.
gnomAD v4.1: 1 of 1,613,938 alleles (0.000062%); no homozygotes.

Submissions (5):

Ambry Genetics
Classification: Likely benign for Hereditary cancer-predisposing syndrome. Last evaluated: 2024-11-15. Review status: criteria provided, single submitter. Criteria: Ambry Variant Classification Scheme 2023. Collection method: clinical testing. Allele origin: germline.

Myriad Genetics, Inc.
Classification: Benign for Familial cancer of breast. Last evaluated: 2024-05-20. Review status: criteria provided, single submitter. Criteria: Myriad Autosomal Dominant, Autosomal Recessive and X-Linked Classification Criteria (2023). Collection method: clinical testing. Allele origin: unknown.
Comment: This variant is considered benign. This variant is a silent/synonymous amino acid change and it is not expected to impact splicing.

Labcorp Genetics (formerly Invitae), Labcorp
Classification: Likely benign for Ataxia-telangiectasia syndrome. Last evaluated: 2022-05-28. Review status: criteria provided, single submitter. Criteria: Invitae Variant Classification Sherloc (09022015). Collection method: clinical testing. Allele origin: germline.

Color Diagnostics, LLC DBA Color Health
Classification: Likely benign for Hereditary cancer-predisposing syndrome. Last evaluated: 2019-01-22. Review status: criteria provided, single submitter. Criteria: ACMG Guidelines, 2015. Collection method: clinical testing. Allele origin: germline.

GeneDx
Classification: Likely benign. Last evaluated: 2017-12-21. Review status: criteria provided, single submitter. Criteria: GeneDx Variant Classification (06012015). Collection method: clinical testing. Allele origin: germline. Affected: yes.
Comment: This variant is considered likely benign or benign based on one or more of the following criteria: it is a conservative change, it occurs at a poorly conserved position in the protein, it is predicted to be benign by multiple in silico algorithms, and/or has population frequency not consistent with disease.